The following is an entry in ClinVar:

NM_001364905.1(LRBA):c.5990G>A (p.Arg1997His)

Gene: LRBA (LPS responsive beige-like anchor protein; minus strand). Cytogenetic location: 4q31.3.
Variant type: single nucleotide variant.
Coding change: c.5990G>A on transcript NM_001364905.1 (MANE Select); coding-DNA position 5990, G replaced by A.
Protein change: p.Arg1997His; replaces arginine 1997 with histidine.
Molecular consequence: missense variant.
Genome position (GRCh38, 1-based): chr4:150,599,063, C>T on the plus strand (G>A on the coding strand, the complement: LRBA is on the minus strand). VCF-style: chr4-150599063-C-T. GRCh37 (hg19) VCF-style: chr4-151520215-C-T.
Other names: c.5990G>A, p.Arg1997His (NM_001199282.3, NM_001367550.1, NM_006726.5); short protein forms R1997H.
Identifiers: ClinVar variation 1980723 (VCV001980723.1), dbSNP rs1358397465, ClinGen allele CA358606954.
Genomic context (GRCh38, chr4:150,599,063, plus strand): 5'-TGACCATGTTCCACGGCTGTTTTTAGTGTCGCTTCAGGATGTGTCGATCCTAGAGGGTTA[C>T]GCACAAATCGTCGCCGGCGCCGCAAGTCATCTTCCCAGTAGTCAAGGCGCCAGAACTCAA-3'
Protein context (NP_001351834.1, residues 1987-2007): DDLRRRRRFV[Arg1997His]NPLGSTHPEA

ClinVar aggregate classification (germline): Uncertain significance (1 of 4 stars; one submission).

Conditions:
Combined immunodeficiency due to LRBA deficiency. Also called: Common variable immunodeficiency 8, with autoimmunity. Identifiers: Orphanet 445018, MedGen C3553512, MONDO:0013863, OMIM 614700.

Allele frequency attached by ClinVar (database versions not stated): gnomAD exomes 0.00001; gnomAD 0.00002; TOPMed 0.00003.
gnomAD v4.1: 11 of 1,613,888 alleles (0.00068%); highest among the groups gnomAD compares: African/African-American, 0.0013%; no homozygotes.

Submission:

Labcorp Genetics (formerly Invitae), Labcorp
Classification: Uncertain significance for Combined immunodeficiency due to LRBA deficiency. Last evaluated: 2022-08-17. Review status: criteria provided, single submitter. Criteria: Invitae Variant Classification Sherloc (09022015). Collection method: clinical testing. Allele origin: germline.
Comment: This sequence change replaces arginine, which is basic and polar, with histidine, which is basic and polar, at codon 1997 of the LRBA protein (p.Arg1997His). This variant is not present in population databases (gnomAD no frequency). This variant has not been reported in the literature in individuals affected with LRBA-related conditions. Algorithms developed to predict the effect of missense changes on protein structure and function are either unavailable or do not agree on the potential impact of this missense change (SIFT: "Tolerated"; PolyPhen-2: "Probably Damaging"; Align-GVGD: "Class C0"). In summary, the available evidence is currently insufficient to determine the role of this variant in disease. Therefore, it has been classified as a Variant of Uncertain Significance.